The following is an entry in ClinVar:

NM_002907.4(RECQL):c.1676A>C (p.Tyr559Ser)

Genes: PYROXD1 (pyridine nucleotide-disulphide oxidoreductase domain 1; plus strand), RECQL (RecQ like helicase; minus strand). Cytogenetic location: 12p12.1.
Variant type: single nucleotide variant.
Coding change: c.1676A>C on transcript NM_002907.4 (MANE Select); coding-DNA position 1676, A replaced by C.
Protein change: p.Tyr559Ser; replaces tyrosine 559 with serine.
Molecular consequence: missense variant. On other transcripts: 3 prime UTR variant (3).
Genome position (GRCh38, 1-based): chr12:21,471,090, T>G on the plus strand (A>C on the coding strand, the complement: RECQL is on the minus strand). VCF-style: chr12-21471090-T-G. GRCh37 (hg19) VCF-style: chr12-21624024-T-G.
Other names: c.1676A>C, p.Tyr559Ser (NM_032941.3); c.*2336T>G (NM_001350912.2, NM_001350913.2, NM_024854.5); short protein forms Y559S.
Identifiers: ClinVar variation 2565590 (VCV002565590.3), dbSNP rs1942943333, ClinGen allele CA384114780.

ClinVar aggregate classification (germline): Uncertain significance (1 of 4 stars; one submission).

Submission:

Ambry Genetics
Classification: Uncertain significance. Last evaluated: 2025-12-20. Review status: criteria provided, single submitter. Criteria: Ambry Variant Classification Scheme 2023. Collection method: clinical testing. Allele origin: germline.
Comment: The p.Y559S variant (also known as c.1676A>C), located in coding exon 13 of the RECQL gene, results from an A to C substitution at nucleotide position 1676. The tyrosine at codon 559 is replaced by serine, an amino acid with dissimilar properties. This amino acid position is not well conserved in available vertebrate species. In addition, this alteration is predicted to be tolerated by in silico analysis. The evidence for this gene-disease relationship is limited; therefore, the clinical significance of this alteration is unclear.